The following is an entry in ClinVar:

NM_002520.7(NPM1):c.847-6_847-5dup

Gene: NPM1 (nucleophosmin 1; plus strand). Cytogenetic location: 5q35.1.
Variant type: Duplication.
Coding change: c.847-6_847-5dup on transcript NM_002520.7 (MANE Select); 6 bases into the intron before coding-DNA position 847 through 5 bases into the intron before coding-DNA position 847, 2 bases duplicated (TT; older notation c.847-6_847-5dupTT).
Molecular consequence: intron variant.
Genome position (GRCh38, 1-based): chr5:171,410,521-171,410,522, TT duplicated; duplicating any 2 consecutive bases within chr5:171,410,510-171,410,522 gives the same sequence; the c. name uses the placement nearest the transcript's 3' end. VCF-style (leftmost placement, unchanged base first): chr5-171410509-C-CTT. GRCh37 (hg19) VCF-style: chr5-170837513-C-CTT.
Other names: c.847-6_847-5dup (NM_001355006.2); c.760-6_760-5dup (NM_199185.4); c.655-6_655-5dup (NM_001355007.2); c.466-6_466-5dup (NM_001355010.2).
Identifiers: ClinVar variation 3057997 (VCV003057997.2), dbSNP rs34323200, ClinGen allele CA3558828.
Genomic context (GRCh38, chr5:171,410,509, plus strand): 5'-TGCAAAGAGACATTTAATTTATTGATGTCTATGAAGTGTTGTGGTTCCTTAACCACATTT[C>CTT]TTTTTTTTTTTTTCCAGGCTATTCAAGATCTCTGGCAGTGGAGGAAGTCTCTTTAAGAAA-3'

ClinVar aggregate classification (germline): Likely benign (0 of 4 stars; one submission).

Conditions:
NPM1-related disorder. Also called: NPM1-related condition.

Submission:

PreventionGenetics, part of Exact Sciences
Classification: Likely benign for NPM1-related condition. Last evaluated: 2019-03-05. Review status: no assertion criteria provided. Collection method: clinical testing. Allele origin: germline.
Comment: This variant is classified as likely benign based on ACMG/AMP sequence variant interpretation guidelines (Richards et al. 2015 PMID: 25741868, with internal and published modifications).